The following is an entry in ClinVar:

ClinVar aggregate classification (germline): Uncertain significance. Review status: criteria provided, multiple submitters, no conflicts (2 of 4 stars). 2 submissions from 2 submitters: Uncertain significance (2). Last evaluated 2025-06-09.

Conditions:
Inborn genetic diseases. Identifiers: MedGen C0950123, MeSH D030342.

Allele frequency attached by ClinVar (database versions not stated): TOPMed below 0.00001; gnomAD exomes below 0.00001.
gnomAD v4.1: 7 of 1,614,070 alleles (0.00043%); highest among the groups gnomAD compares: Admixed American, 0.012%; no homozygotes.

Submissions (2):

Ambry Genetics
Classification: Uncertain significance for Inborn genetic diseases. Last evaluated: 2025-06-09. Review status: criteria provided, single submitter. Criteria: Ambry Variant Classification Scheme 2023. Collection method: clinical testing. Allele origin: germline.

Labcorp Genetics (formerly Invitae), Labcorp
Classification: Uncertain significance. Last evaluated: 2022-06-20. Review status: criteria provided, single submitter. Criteria: Invitae Variant Classification Sherloc (09022015). Collection method: clinical testing. Allele origin: germline.
Comment: This sequence change replaces glycine, which is neutral and non-polar, with arginine, which is basic and polar, at codon 538 of the COL27A1 protein (p.Gly538Arg). This variant is present in population databases (no rsID available, gnomAD 0.003%). This variant has not been reported in the literature in individuals affected with COL27A1-related conditions. Advanced modeling of protein sequence and biophysical properties (such as structural, functional, and spatial information, amino acid conservation, physicochemical variation, residue mobility, and thermodynamic stability) performed at Invitae indicates that this missense variant is not expected to disrupt COL27A1 protein function. In summary, the available evidence is currently insufficient to determine the role of this variant in disease. Therefore, it has been classified as a Variant of Uncertain Significance.

NM_032888.4(COL27A1):c.1612G>A (p.Gly538Arg)

Gene: COL27A1 (collagen type XXVII alpha 1 chain; plus strand). Cytogenetic location: 9q32.
Variant type: single nucleotide variant.
Coding change: c.1612G>A on transcript NM_032888.4 (MANE Select); coding-DNA position 1612, G replaced by A.
Protein change: p.Gly538Arg; replaces glycine 538 with arginine.
Molecular consequence: missense variant.
Genome position (GRCh38, 1-based): chr9:114,169,167, G>A. VCF-style: chr9-114169167-G-A. GRCh37 (hg19) VCF-style: chr9-116931447-G-A.
Other names: c.1612G>A (NM_032888.2); short protein forms G538R.
Identifiers: ClinVar variation 1449228 (VCV001449228.4), dbSNP rs1257764160, ClinGen allele CA374594856.